The following is an entry in ClinVar:

NM_001375524.1(TRRAP):c.9835C>T (p.Arg3279Cys)

Gene: TRRAP (transformation/transcription domain associated protein; plus strand). Cytogenetic location: 7q22.1.
Variant type: single nucleotide variant.
Coding change: c.9835C>T on transcript NM_001375524.1 (MANE Select); coding-DNA position 9835, C replaced by T.
Protein change: p.Arg3279Cys; replaces arginine 3279 with cysteine.
Molecular consequence: missense variant.
Genome position (GRCh38, 1-based): chr7:98,992,215, C>T. VCF-style: chr7-98992215-C-T. GRCh37 (hg19) VCF-style: chr7-98589838-C-T.
Other names: c.9847C>T, p.Arg3283Cys (NM_001244580.2); c.9760C>T, p.Arg3254Cys (NM_003496.4); short protein forms R3254C, R3279C, R3283C.
Identifiers: ClinVar variation 4538644 (VCV004538644.1).

ClinVar aggregate classification (germline): Uncertain significance (1 of 4 stars; one submission).

Submission:

GeneDx
Classification: Uncertain significance. Last evaluated: 2025-06-12. Review status: criteria provided, single submitter. Criteria: GeneDx Variant Classification Process June 2021. Collection method: clinical testing. Allele origin: germline. Affected: yes.
Comment: Not observed at significant frequency in large population cohorts (gnomAD); In silico analysis supports that this missense variant has a deleterious effect on protein structure/function; Has not been previously published as pathogenic or benign to our knowledge